The following is an entry in ClinVar:

ClinVar aggregate classification (germline): Uncertain significance (1 of 4 stars; one submission).

Conditions:
KDM2A-related neurodevelopmental disorder.

Submission:

Institute of Human Genetics, University of Leipzig Medical Center
Classification: Uncertain significance for KDM2A-related neurodevelopmental disorder. Last evaluated: 2025-01-20. Review status: criteria provided, single submitter. Criteria: ACMG Guidelines, 2015. Collection method: research. Allele origin: de novo. Inheritance: Autosomal dominant inheritance. Affected: yes.
Comment: Criteria applied: PS2_MOD, PM2, PP2. Due to the de novo status of the variant in addition to a fitting clinical overlap to other individuals with the same condition, this variant is deemed causative despite being classified as uncertain.

Literature cited by the submitters: DOI 10.1101/2025.03.31.25324695.

NM_012308.3(KDM2A):c.2327A>G (p.Lys776Arg)

Gene: KDM2A (lysine demethylase 2A; plus strand). Cytogenetic location: 11q13.2.
Variant type: single nucleotide variant.
Coding change: c.2327A>G on transcript NM_012308.3 (MANE Select); coding-DNA position 2327, A replaced by G.
Protein change: p.Lys776Arg; replaces lysine 776 with arginine.
Molecular consequence: missense variant.
Genome position (GRCh38, 1-based): chr11:67,250,357, A>G. VCF-style: chr11-67250357-A-G. GRCh37 (hg19) VCF-style: chr11-67017828-A-G.
Other names: c.1010A>G, p.Lys337Arg (NM_001256405.2); short protein forms K337R, K776R.
Identifiers: ClinVar variation 3778815 (VCV003778815.1).